The following is an entry in ClinVar:

ClinVar aggregate classification (germline): Uncertain significance. Review status: criteria provided, multiple submitters, no conflicts (2 of 4 stars). 2 submissions from 2 submitters: Uncertain significance (2). Last evaluated 2025-06-24.

Conditions:
Inborn genetic diseases. Identifiers: MedGen C0950123, MeSH D030342.

Submissions (2):

Ambry Genetics
Classification: Uncertain significance for Inborn genetic diseases. Last evaluated: 2025-06-24. Review status: criteria provided, single submitter. Criteria: Ambry Variant Classification Scheme 2023. Collection method: clinical testing. Allele origin: germline.

GeneDx
Classification: Uncertain significance. Last evaluated: 2023-11-01. Review status: criteria provided, single submitter. Criteria: GeneDx Variant Classification Process June 2021. Collection method: clinical testing. Allele origin: germline. Affected: yes.
Comment: Not observed at significant frequency in large population cohorts (gnomAD); In silico analysis supports that this missense variant does not alter protein structure/function; Has not been previously published as pathogenic or benign to our knowledge

NM_014254.3(RXYLT1):c.28T>C (p.Ser10Pro)

Gene: RXYLT1 (ribitol xylosyltransferase 1; plus strand). Cytogenetic location: 12q14.2.
Variant type: single nucleotide variant.
Coding change: c.28T>C on transcript NM_014254.3 (MANE Select); coding-DNA position 28, T replaced by C.
Protein change: p.Ser10Pro; replaces serine 10 with proline.
Molecular consequence: missense variant. On other transcripts: 5 prime UTR variant (1).
Genome position (GRCh38, 1-based): chr12:63,779,988, T>C. VCF-style: chr12-63779988-T-C. GRCh37 (hg19) VCF-style: chr12-64173768-T-C.
Other names: c.-1086T>C (NM_001278237.2); c.28T>C (NM_014254.1); short protein forms S10P.
Identifiers: ClinVar variation 3363440 (VCV003363440.2).